The following is an entry in ClinVar:

ClinVar aggregate classification (germline): Uncertain significance (1 of 4 stars; one submission).

Allele frequency attached by ClinVar (database versions not stated): gnomAD 0.00001.

Submission:

Labcorp Genetics (formerly Invitae), Labcorp
Classification: Uncertain significance. Last evaluated: 2025-11-24. Review status: criteria provided, single submitter. Criteria: Invitae Variant Classification Sherloc (09022015). Collection method: clinical testing. Allele origin: germline.
Comment: This sequence change replaces aspartic acid, which is acidic and polar, with asparagine, which is neutral and polar, at codon 151 of the VAV1 protein (p.Asp151Asn). This variant is present in population databases (no rsID available, gnomAD 0.005%). This variant has not been reported in the literature in individuals affected with VAV1-related conditions. ClinVar contains an entry for this variant (Variation ID: 2957003). An algorithm developed to predict the effect of missense changes on protein structure and function (PolyPhen-2) suggests that this variant is likely to be disruptive. In summary, the available evidence is currently insufficient to determine the role of this variant in disease. Therefore, it has been classified as a Variant of Uncertain Significance.

NM_005428.4(VAV1):c.451G>A (p.Asp151Asn)

Gene: VAV1 (vav guanine nucleotide exchange factor 1; plus strand). Cytogenetic location: 19p13.3.
Variant type: single nucleotide variant.
Coding change: c.451G>A on transcript NM_005428.4 (MANE Select); coding-DNA position 451, G replaced by A.
Protein change: p.Asp151Asn; replaces aspartic acid 151 with asparagine.
Molecular consequence: missense variant.
Genome position (GRCh38, 1-based): chr19:6,822,222, G>A. VCF-style: chr19-6822222-G-A. GRCh37 (hg19) VCF-style: chr19-6822233-G-A.
Other names: c.451G>A, p.Asp151Asn (NM_001258206.2, NM_001258207.2); short protein forms D151N.
Identifiers: ClinVar variation 2957003 (VCV002957003.3), dbSNP rs1275275449, ClinGen allele CA403615472.